The following is an entry in ClinVar:

NM_021961.6(TEAD1):c.20G>A (p.Ser7Asn)

Gene: TEAD1 (TEA domain transcription factor 1; plus strand). Cytogenetic location: 11p15.3.
Variant type: single nucleotide variant.
Coding change: c.20G>A on transcript NM_021961.6 (MANE Select); coding-DNA position 20, G replaced by A.
Protein change: p.Ser7Asn; replaces serine 7 with asparagine.
Molecular consequence: missense variant.
Genome position (GRCh38, 1-based): chr11:12,764,252, G>A. VCF-style: chr11-12764252-G-A. GRCh37 (hg19) VCF-style: chr11-12785799-G-A.
Other names: short protein forms S7N.
Identifiers: ClinVar variation 3682289 (VCV003682289.2).

ClinVar aggregate classification (germline): Uncertain significance (1 of 4 stars; one submission).

gnomAD v4.1: 5 of 1,613,974 alleles (0.00031%); highest among the groups gnomAD compares: Non-Finnish European, 0.00034%; no homozygotes.

Submission:

Labcorp Genetics (formerly Invitae), Labcorp
Classification: Uncertain significance. Last evaluated: 2024-05-16. Review status: criteria provided, single submitter. Criteria: Invitae Variant Classification Sherloc (09022015). Collection method: clinical testing. Allele origin: germline.
Comment: This sequence change replaces serine, which is neutral and polar, with asparagine, which is neutral and polar, at codon 7 of the TEAD1 protein (p.Ser7Asn). This variant is not present in population databases (gnomAD no frequency). This variant has not been reported in the literature in individuals affected with TEAD1-related conditions. An algorithm developed to predict the effect of missense changes on protein structure and function (PolyPhen-2) suggests that this variant is likely to be tolerated. In summary, the available evidence is currently insufficient to determine the role of this variant in disease. Therefore, it has been classified as a Variant of Uncertain Significance.